The following is an entry in ClinVar:

ClinVar aggregate classification (germline): Likely benign (0 of 4 stars; one submission).

Conditions:
TENM3-related disorder. Also called: TENM3-related condition.

Allele frequency attached by ClinVar (database versions not stated): TOPMed 0.00001; ExAC 0.00014; 1000 Genomes Project 30x 0.00031; 1000 Genomes Project 0.00040.
gnomAD v4.1: 83 of 1,613,482 alleles (0.0051%); highest among the groups gnomAD compares: South Asian, 0.085%; 2 homozygotes.

Submission:

PreventionGenetics, part of Exact Sciences
Classification: Likely benign for TENM3-related condition. Last evaluated: 2022-05-11. Review status: no assertion criteria provided. Collection method: clinical testing. Allele origin: germline.
Comment: This variant is classified as likely benign based on ACMG/AMP sequence variant interpretation guidelines (Richards et al. 2015 PMID: 25741868, with internal and published modifications).

NM_001080477.4(TENM3):c.3798G>T (p.Pro1266=)

Gene: TENM3 (teneurin transmembrane protein 3; plus strand). Cytogenetic location: 4q35.1.
Variant type: single nucleotide variant.
Coding change: c.3798G>T on transcript NM_001080477.4 (MANE Select); coding-DNA position 3798, G replaced by T.
Protein change: p.Pro1266=; no amino-acid change (proline 1266 retained).
Molecular consequence: synonymous variant.
Genome position (GRCh38, 1-based): chr4:182,751,968, G>T. VCF-style: chr4-182751968-G-T. GRCh37 (hg19) VCF-style: chr4-183673121-G-T.
Other names: c.3030G>T, p.Pro1010= (NM_001415960.1); c.3003G>T, p.Pro1001= (NM_001415961.1); c.3000G>T, p.Pro1000= (NM_001415962.1); c.2982G>T, p.Pro994= (NM_001415963.1); c.2979G>T, p.Pro993= (NM_001415964.1); c.3516G>T, p.Pro1172= (NM_001415966.1); c.3540G>T, p.Pro1180= (NM_001415967.1); c.3816G>T, p.Pro1272= (NM_001415968.1); and 4 more.
Identifiers: ClinVar variation 3058480 (VCV003058480.2), dbSNP rs537485392, ClinGen allele CA3148287.